The following is an entry in ClinVar:

ClinVar aggregate classification (germline): Likely benign. Review status: criteria provided, multiple submitters, no conflicts (2 of 4 stars). 2 submissions from 2 submitters: Likely benign (2). Last evaluated 2023-03-27.

Conditions:
Charcot-Marie-Tooth disease type 2B (CMT2B). Also called: CHARCOT-MARIE-TOOTH DISEASE, AUTOSOMAL DOMINANT, TYPE 2B; Charcot-Marie-Tooth Neuropathy Type 2B; HEREDITARY MOTOR AND SENSORY NEUROPATHY IIB; CHARCOT-MARIE-TOOTH DISEASE, AXONAL, TYPE 2B. Identifiers: Orphanet 99936, MedGen C1833219, MONDO:0010949, OMIM 600882.

Allele frequency attached by ClinVar (database versions not stated): gnomAD exomes below 0.00001; gnomAD 0.00003.
gnomAD v4.1: 1 of 1,612,734 alleles (0.000062%); highest among the groups gnomAD compares: South Asian, 0.0011%; no homozygotes.

Submissions (2):

Labcorp Genetics (formerly Invitae), Labcorp
Classification: Likely benign for Charcot-Marie-Tooth disease type 2B. Last evaluated: 2023-03-27. Review status: criteria provided, single submitter. Criteria: Invitae Variant Classification Sherloc (09022015). Collection method: clinical testing. Allele origin: germline.

GeneDx
Classification: Likely benign. Last evaluated: 2016-07-29. Review status: criteria provided, single submitter. Criteria: GeneDx Variant Classification (06012015). Collection method: clinical testing. Allele origin: germline. Affected: yes.
Comment: This variant is considered likely benign or benign based on one or more of the following criteria: it is a conservative change, it occurs at a poorly conserved position in the protein, it is predicted to be benign by multiple in silico algorithms, and/or has population frequency not consistent with disease.

NM_004637.6(RAB7A):c.54-17T>C

Gene: RAB7A (RAB7A, member RAS oncogene family; plus strand). Cytogenetic location: 3q21.3.
Variant type: single nucleotide variant.
Coding change: c.54-17T>C on transcript NM_004637.6 (MANE Select); 17 bases into the intron before coding-DNA position 54, T replaced by C.
Molecular consequence: intron variant.
Genome position (GRCh38, 1-based): chr3:128,797,926, T>C. VCF-style: chr3-128797926-T-C. GRCh37 (hg19) VCF-style: chr3-128516769-T-C.
Identifiers: ClinVar variation 388226 (VCV000388226.8), dbSNP rs1057523037, ClinGen allele CA16604810.